The following is an entry in ClinVar:

NM_004606.5(TAF1):c.4702A>G (p.Ser1568Gly)

Gene: TAF1 (TATA-box binding protein associated factor 1; plus strand). Cytogenetic location: Xq13.1.
Variant type: single nucleotide variant.
Coding change: c.4702A>G on transcript NM_004606.5 (MANE Select); coding-DNA position 4702, A replaced by G.
Protein change: p.Ser1568Gly; replaces serine 1568 with glycine.
Molecular consequence: missense variant. On other transcripts: non-coding transcript variant (9).
Genome position (GRCh38, 1-based): chrX:71,424,187, A>G. VCF-style: chrX-71424187-A-G. GRCh37 (hg19) VCF-style: chrX-70644037-A-G.
Other names: c.4702A>G, p.Ser1568Gly (NM_001286074.2, NM_001440852.1, NM_001440853.1); c.4639A>G, p.Ser1547Gly (NM_001440854.1, NM_138923.4); short protein forms S1547G, S1568G.
Identifiers: ClinVar variation 4819522 (VCV004819522.1).
Genomic context (GRCh38, chrX:71,424,187, plus strand): 5'-CTGAGTGCCTGATTCTTTTCATCACAGAACATCTCCAAGCACAAGTATCAGAGTCGGGAG[A>G]GCTTTCTGGATGATGTAAACCTTATTCTGGCCAACAGTGTTAAGTATAATGGTGGGTATT-3'
Protein context (NP_004597.3, residues 1558-1578): ISKHKYQSRE[Ser1568Gly]FLDDVNLILA

ClinVar aggregate classification (germline): Uncertain significance (1 of 4 stars; one submission).

Submission:

GeneDx
Classification: Uncertain significance. Last evaluated: 2025-09-30. Review status: criteria provided, single submitter. Criteria: GeneDx Variant Classification Process June 2021. Collection method: clinical testing. Allele origin: germline. Affected: yes.
Comment: Not observed at significant frequency in large population cohorts (gnomAD); In silico analysis suggests that this missense variant does not alter protein structure/function; Has not been previously published as pathogenic or benign to our knowledge